The following is an entry in ClinVar:

ClinVar aggregate classification (germline): not provided (0 of 4 stars; one submission).

Submission:

ITMI
No classification provided. Condition: AllHighlyPenetrant. Last evaluated: 2013-09-19. Review status: no classification provided. Collection method: reference population. Allele origin: germline.
Comment: Please see associated publication for description of ethnicities

Literature cited by the submitters: PubMed 24728327.

NM_022725.4(FANCF):c.1041G>T (p.Trp347Cys)

Genes: FANCF (FA complementation group F; minus strand), LOC130005443 (ATAC-STARR-seq lymphoblastoid active region 4533; plus strand). Cytogenetic location: 11p14.3.
Variant type: single nucleotide variant.
Coding change: c.1041G>T on transcript NM_022725.4 (MANE Select); coding-DNA position 1041, G replaced by T.
Protein change: p.Trp347Cys; replaces tryptophan 347 with cysteine.
Molecular consequence: missense variant.
Genome position (GRCh38, 1-based): chr11:22,624,770, C>A on the plus strand (G>T on the coding strand, the complement: FANCF is on the minus strand). VCF-style: chr11-22624770-C-A. GRCh37 (hg19) VCF-style: chr11-22646316-C-A.
Other names: short protein forms W347C.
Identifiers: ClinVar variation 134352 (VCV000134352.1), dbSNP rs587778343, ClinGen allele CA159575.